The following is an entry in ClinVar:

NM_170784.3(MKKS):c.53C>T (p.Thr18Ile)

Gene: MKKS (MKKS centrosomal shuttling protein; minus strand). Cytogenetic location: 20p12.2.
Variant type: single nucleotide variant.
Coding change: c.53C>T on transcript NM_170784.3 (MANE Select); coding-DNA position 53, C replaced by T.
Protein change: p.Thr18Ile; replaces threonine 18 with isoleucine.
Molecular consequence: missense variant.
Genome position (GRCh38, 1-based): chr20:10,413,462, G>A on the plus strand (C>T on the coding strand, the complement: MKKS is on the minus strand). VCF-style: chr20-10413462-G-A. GRCh37 (hg19) VCF-style: chr20-10394110-G-A.
Other names: c.53C>T, p.Thr18Ile (NM_018848.3); short protein forms T18I.
Identifiers: ClinVar variation 2059813 (VCV002059813.4), dbSNP rs1439636916, ClinGen allele CA408233922.
Genomic context (GRCh38, chr20:10,413,462, plus strand): 5'-CCATAGCATGATGTTACAATTCTTTTCAAGACAGAAAGTGTGGTCCTGACTCTCTCAGTT[G>A]TCAGTGGTTCACTCTTACACAATGATGGCTTCTTAGCTTCCAAACGAGACATCTTACTTC-3'
Protein context (NP_740754.1, residues 8-28): KPSLCKSEPL[Thr18Ile]TERVRTTLSV

ClinVar aggregate classification (germline): Uncertain significance (1 of 4 stars; one submission).

Conditions:
Bardet-Biedl syndrome (BBS). Identifiers: Orphanet 110, MedGen C0752166, MONDO:0015229.
McKusick-Kaufman syndrome (MKKS). Also called: HYDROMETROCOLPOS SYNDROME; HYDROMETROCOLPOS, POSTAXIAL POLYDACTYLY, AND CONGENITAL HEART MALFORMATION. Identifiers: Orphanet 2473, MedGen C0948368, MONDO:0009367, OMIM 236700.

Allele frequency attached by ClinVar (database versions not stated): gnomAD exomes below 0.00001.
gnomAD v4.1: 2 of 1,614,142 alleles (0.00012%); highest among the groups gnomAD compares: African/African-American, 0.0013%; no homozygotes.

Submission:

Labcorp Genetics (formerly Invitae), Labcorp
Classification: Uncertain significance for McKusick-Kaufman syndrome; Bardet-Biedl syndrome. Last evaluated: 2021-12-25. Review status: criteria provided, single submitter. Criteria: Invitae Variant Classification Sherloc (09022015). Collection method: clinical testing. Allele origin: germline.
Comment: In summary, the available evidence is currently insufficient to determine the role of this variant in disease. Therefore, it has been classified as a Variant of Uncertain Significance. Algorithms developed to predict the effect of missense changes on protein structure and function are either unavailable or do not agree on the potential impact of this missense change (SIFT: "Deleterious"; PolyPhen-2: "Benign"; Align-GVGD: "Class C25"). This sequence change replaces threonine, which is neutral and polar, with isoleucine, which is neutral and non-polar, at codon 18 of the MKKS protein (p.Thr18Ile). This variant is present in population databases (no rsID available, gnomAD 0.007%). This variant has not been reported in the literature in individuals affected with MKKS-related conditions.